The following is an entry in ClinVar:

NM_020184.4(CNNM4):c.1056T>G (p.Asn352Lys)

Gene: CNNM4 (cyclin and CBS domain divalent metal cation transport mediator 4; plus strand). Cytogenetic location: 2q11.2.
Variant type: single nucleotide variant.
Coding change: c.1056T>G on transcript NM_020184.4 (MANE Select); coding-DNA position 1056, T replaced by G.
Protein change: p.Asn352Lys; replaces asparagine 352 with lysine.
Molecular consequence: missense variant.
Genome position (GRCh38, 1-based): chr2:96,762,055, T>G. VCF-style: chr2-96762055-T-G. GRCh37 (hg19) VCF-style: chr2-97427792-T-G.
Other names: short protein forms N352K.
Identifiers: ClinVar variation 957257 (VCV000957257.9), dbSNP rs2078769539, ClinGen allele CA347716022.

ClinVar aggregate classification (germline): Uncertain significance (1 of 4 stars; one submission).

Allele frequency attached by ClinVar (database versions not stated): gnomAD exomes below 0.00001.
gnomAD v4.1: 1 of 1,614,158 alleles (0.000062%); highest among the groups gnomAD compares: Non-Finnish European, 0.000085%; no homozygotes.

Submission:

Labcorp Genetics (formerly Invitae), Labcorp
Classification: Uncertain significance. Last evaluated: 2022-03-22. Review status: criteria provided, single submitter. Criteria: Invitae Variant Classification Sherloc (09022015). Collection method: clinical testing. Allele origin: germline.
Comment: This variant is not present in population databases (gnomAD no frequency). This sequence change replaces asparagine, which is neutral and polar, with lysine, which is basic and polar, at codon 352 of the CNNM4 protein (p.Asn352Lys). This variant has not been reported in the literature in individuals affected with CNNM4-related conditions. ClinVar contains an entry for this variant (Variation ID: 957257). Algorithms developed to predict the effect of missense changes on protein structure and function are either unavailable or do not agree on the potential impact of this missense change (SIFT: "Tolerated"; PolyPhen-2: "Possibly Damaging"; Align-GVGD: "Class C0"). In summary, the available evidence is currently insufficient to determine the role of this variant in disease. Therefore, it has been classified as a Variant of Uncertain Significance.